The following is an entry in ClinVar:

NM_006904.7(PRKDC):c.1900C>G (p.Leu634Val)

Gene: PRKDC (protein kinase, DNA-activated, catalytic subunit; minus strand). Cytogenetic location: 8q11.21.
Variant type: single nucleotide variant.
Coding change: c.1900C>G on transcript NM_006904.7 (MANE Select); coding-DNA position 1900, C replaced by G.
Protein change: p.Leu634Val; replaces leucine 634 with valine.
Molecular consequence: missense variant.
Genome position (GRCh38, 1-based): chr8:47,930,005, G>C on the plus strand (C>G on the coding strand, the complement: PRKDC is on the minus strand). VCF-style: chr8-47930005-G-C. GRCh37 (hg19) VCF-style: chr8-48842565-G-C.
Other names: c.1900C>G, p.Leu634Val (NM_001081640.2); short protein forms L634V.
Identifiers: ClinVar variation 1782304 (VCV001782304.2), dbSNP rs2551878650, ClinGen allele CA371164484.
Genomic context (GRCh38, chr8:47,930,005, plus strand): 5'-TTAATTCATATGAAAATGAGTACACCCATGGTTCAAAAAATTCTGCTTGTTTCTCAGGGA[G>C]AATCTCTCTGTAAAAACAAATTAGAAATTGAAGGTAGAAATTTGTATCATTCTGATCTTA-3'
Protein context (NP_008835.5, residues 624-644): INLVEFCREI[Leu634Val]PEKQAEFFEP

ClinVar aggregate classification (germline): Uncertain significance (1 of 4 stars; one submission).

gnomAD v4.1: 1 of 1,596,684 alleles (0.000063%); no homozygotes.

Submission:

Ambry Genetics
Classification: Uncertain significance. Last evaluated: 2022-10-10. Review status: criteria provided, single submitter. Criteria: Ambry Variant Classification Scheme 2023. Collection method: clinical testing. Allele origin: germline.
Comment: The p.L634V variant (also known as c.1900C>G), located in coding exon 18 of the PRKDC gene, results from a C to G substitution at nucleotide position 1900. The leucine at codon 634 is replaced by valine, an amino acid with highly similar properties. This amino acid position is conserved. In addition, this alteration is predicted to be tolerated by in silico analysis. Since supporting evidence is limited at this time, the clinical significance of this alteration remains unclear.